The following is an entry in ClinVar:

ClinVar aggregate classification (germline): Uncertain significance (1 of 4 stars; one submission).

Conditions:
Charcot-Marie-Tooth disease type 2. Also called: Charcot-Marie-Tooth type 2. Identifiers: Orphanet 64746, MedGen C0270914, MONDO:0018993.

gnomAD v4.1: 1 of 1,574,524 alleles (0.000064%); highest among the groups gnomAD compares: Non-Finnish European, 0.000086%; no homozygotes.

Submission:

Labcorp Genetics (formerly Invitae), Labcorp
Classification: Uncertain significance for Charcot-Marie-Tooth disease type 2. Last evaluated: 2022-08-31. Review status: criteria provided, single submitter. Criteria: Invitae Variant Classification Sherloc (09022015). Collection method: clinical testing. Allele origin: germline.
Comment: This sequence change replaces serine, which is neutral and polar, with asparagine, which is neutral and polar, at codon 37 of the GARS protein (p.Ser37Asn). This variant is not present in population databases (gnomAD no frequency). This variant has not been reported in the literature in individuals affected with GARS-related conditions. ClinVar contains an entry for this variant (Variation ID: 1680878). Algorithms developed to predict the effect of missense changes on protein structure and function are either unavailable or do not agree on the potential impact of this missense change (SIFT: "Tolerated"; PolyPhen-2: "Not Available"; Align-GVGD: "Class C0"). In summary, the available evidence is currently insufficient to determine the role of this variant in disease. Therefore, it has been classified as a Variant of Uncertain Significance.

NM_002047.4(GARS1):c.110G>A (p.Ser37Asn)

Gene: GARS1 (glycyl-tRNA synthetase 1; plus strand). Cytogenetic location: 7p14.3.
Variant type: single nucleotide variant.
Coding change: c.110G>A on transcript NM_002047.4 (MANE Select); coding-DNA position 110, G replaced by A.
Protein change: p.Ser37Asn; replaces serine 37 with asparagine.
Molecular consequence: missense variant. On other transcripts: 5 prime UTR variant (1).
Genome position (GRCh38, 1-based): chr7:30,595,031, G>A. VCF-style: chr7-30595031-G-A. GRCh37 (hg19) VCF-style: chr7-30634647-G-A.
Other names: c.-53G>A (NM_001316772.1); short protein forms S37N.
Identifiers: ClinVar variation 1680878 (VCV001680878.6), dbSNP rs2128131936, ClinGen allele CA367138558.